The following is an entry in ClinVar:

NM_206933.4(USH2A):c.5120A>T (p.Glu1707Val)

Genes: USH2A (usherin; minus strand), USH2A-AS2 (USH2A antisense RNA 2; plus strand). Cytogenetic location: 1q41.
Variant type: single nucleotide variant.
Coding change: c.5120A>T on transcript NM_206933.4 (MANE Select); coding-DNA position 5120, A replaced by T.
Protein change: p.Glu1707Val; replaces glutamic acid 1707 with valine.
Molecular consequence: missense variant.
Genome position (GRCh38, 1-based): chr1:216,084,745, T>A on the plus strand (A>T on the coding strand, the complement: USH2A is on the minus strand). VCF-style: chr1-216084745-T-A. GRCh37 (hg19) VCF-style: chr1-216258087-T-A.
Other names: short protein forms E1707V.
Identifiers: ClinVar variation 2125103 (VCV002125103.2), dbSNP rs2032069724, ClinGen allele CA344858870.

ClinVar aggregate classification (germline): Uncertain significance (1 of 4 stars; one submission).

Submission:

Labcorp Genetics (formerly Invitae), Labcorp
Classification: Uncertain significance. Last evaluated: 2022-04-12. Review status: criteria provided, single submitter. Criteria: Invitae Variant Classification Sherloc (09022015). Collection method: clinical testing. Allele origin: germline.
Comment: Algorithms developed to predict the effect of missense changes on protein structure and function (SIFT, PolyPhen-2, Align-GVGD) all suggest that this variant is likely to be disruptive. This sequence change replaces glutamic acid, which is acidic and polar, with valine, which is neutral and non-polar, at codon 1707 of the USH2A protein (p.Glu1707Val). This variant is not present in population databases (gnomAD no frequency). This variant has not been reported in the literature in individuals affected with USH2A-related conditions. In summary, the available evidence is currently insufficient to determine the role of this variant in disease. Therefore, it has been classified as a Variant of Uncertain Significance.